The following is an entry in ClinVar:

NM_000642.3(AGL):c.82+1G>C

Gene: AGL (amylo-alpha-1,6-glucosidase and 4-alpha-glucanotransferase; plus strand). Cytogenetic location: 1p21.2.
Variant type: single nucleotide variant.
Coding change: c.82+1G>C on transcript NM_000642.3 (MANE Select); the canonical splice donor site of the intron after coding-DNA position 82, G replaced by C.
Molecular consequence: splice donor variant.
Genome position (GRCh38, 1-based): chr1:99,851,125, G>C. VCF-style: chr1-99851125-G-C. GRCh37 (hg19) VCF-style: chr1-100316681-G-C.
Other names: c.82+1G>C (NM_000643.3, NM_000644.3, NM_001425326.1 and 6 more transcripts); c.-110+1G>C (NM_000646.3).
Identifiers: ClinVar variation 2699402 (VCV002699402.3), dbSNP rs1354714214, ClinGen allele CA341323915.

ClinVar aggregate classification (germline): Likely pathogenic (1 of 4 stars; one submission).

Conditions:
Glycogen storage disease type III (GSD3). Also called: Cori disease; FORBES DISEASE. Identifiers: Orphanet 366, MedGen C0017922, MONDO:0009291, OMIM 232400.

Submission:

Labcorp Genetics (formerly Invitae), Labcorp
Classification: Likely pathogenic for Glycogen storage disease type III. Last evaluated: 2023-11-28. Review status: criteria provided, single submitter. Criteria: Invitae Variant Classification Sherloc (09022015). Collection method: clinical testing. Allele origin: germline.
Comment: This sequence change affects a donor splice site in intron 2 of the AGL gene. It is expected to disrupt RNA splicing. Variants that disrupt the donor or acceptor splice site typically lead to a loss of protein function (PMID: 16199547), and loss-of-function variants in AGL are known to be pathogenic (PMID: 19299494). This variant is not present in population databases (gnomAD no frequency). Disruption of this splice site has been observed in individual(s) with glycogen storage disease (PMID: 25388549). Algorithms developed to predict the effect of sequence changes on RNA splicing suggest that this variant may disrupt the consensus splice site. In summary, the currently available evidence indicates that the variant is pathogenic, but additional data are needed to prove that conclusively. Therefore, this variant has been classified as Likely Pathogenic.

Literature cited by the submitters: PubMed 16199547; PubMed 19299494; PubMed 25388549.